The following is an entry in ClinVar:

ClinVar aggregate classification (germline): Uncertain significance. Review status: criteria provided, multiple submitters, no conflicts (2 of 4 stars). 2 submissions from 2 submitters: Uncertain significance (2). Last evaluated 2025-06-02.

Conditions:
Primary ciliary dyskinesia 27. Also called: CILIARY DYSKINESIA, PRIMARY, 27, WITHOUT SITUS INVERSUS. Identifiers: Orphanet 244, MedGen C3809701, MONDO:0014215, OMIM 615504.

Allele frequency attached by ClinVar (database versions not stated): ExAC 0.00002; TOPMed 0.00002; gnomAD 0.00003; gnomAD exomes 0.00004.
gnomAD v4.1: 61 of 1,613,366 alleles (0.0038%); highest among the groups gnomAD compares: Non-Finnish European, 0.0047%; no homozygotes.

Submissions (2):

Labcorp Genetics (formerly Invitae), Labcorp
Classification: Uncertain significance for Primary ciliary dyskinesia 27. Last evaluated: 2025-06-02. Review status: criteria provided, single submitter. Criteria: Invitae Variant Classification Sherloc (09022015). Collection method: clinical testing. Allele origin: germline.
Comment: This sequence change replaces glutamic acid, which is acidic and polar, with lysine, which is basic and polar, at codon 359 of the CCDC65 protein (p.Glu359Lys). This variant is present in population databases (rs376676508, gnomAD 0.006%). This variant has not been reported in the literature in individuals affected with CCDC65-related conditions. ClinVar contains an entry for this variant (Variation ID: 2902897). An algorithm developed to predict the effect of missense changes on protein structure and function (PolyPhen-2) suggests that this variant is likely to be disruptive. In summary, the available evidence is currently insufficient to determine the role of this variant in disease. Therefore, it has been classified as a Variant of Uncertain Significance.

Blueprint Genetics
Classification: Uncertain significance. Last evaluated: 2023-07-11. Review status: criteria provided, single submitter. Criteria: ACMG Guidelines, 2015. Collection method: clinical testing. Allele origin: germline.

NM_033124.5(DRC2):c.1075G>A (p.Glu359Lys)

Gene: DRC2 (dynein regulatory complex subunit 2; plus strand). Cytogenetic location: 12q13.12.
Variant type: single nucleotide variant.
Coding change: c.1075G>A on transcript NM_033124.5 (MANE Select); coding-DNA position 1075, G replaced by A.
Protein change: p.Glu359Lys; replaces glutamic acid 359 with lysine.
Molecular consequence: missense variant.
Genome position (GRCh38, 1-based): chr12:48,920,978, G>A. VCF-style: chr12-48920978-G-A. GRCh37 (hg19) VCF-style: chr12-49314761-G-A.
Other names: c.646G>A, p.Glu216Lys (NM_001286957.2); short protein forms E359K, E216K.
Identifiers: ClinVar variation 2902897 (VCV002902897.4), dbSNP rs376676508, ClinGen allele CA6543435.